The following is an entry in ClinVar:

ClinVar aggregate classification (germline): Uncertain significance (1 of 4 stars; one submission).

Conditions:
Retinoblastoma (RB1). Also called: RETINOBLASTOMA, SOMATIC. Identifiers: Orphanet 790, MedGen C0035335, MeSH D012175, MONDO:0008380, OMIM 180200, HP:0009919. Disease mechanism: loss of function. Inheritance: Both sporadic and heritable forms are tested..

Submission:

Labcorp Genetics (formerly Invitae), Labcorp
Classification: Uncertain significance for Retinoblastoma. Last evaluated: 2021-09-16. Review status: criteria provided, single submitter. Criteria: Invitae Variant Classification Sherloc (09022015). Collection method: clinical testing. Allele origin: germline.
Comment: This sequence change affects an acceptor splice site in intron 18 of the RB1 gene. It is expected to disrupt RNA splicing. Variants that disrupt the donor or acceptor splice site typically lead to a loss of protein function (PMID: 16199547), and loss-of-function variants in RB1 are known to be pathogenic (PMID: 17096365). This variant is not present in population databases (ExAC no frequency). This variant has been observed as a somatic variant in an individual affected with unilateral retinoblastoma in the Leiden Open-source Variation Database (PMID: 21520333), but it has not been reported as a germline change in individuals with RB1-related disease. ClinVar contains an entry for this variant (Variation ID: 659638). Algorithms that predict the effect of sequence changes on RNA splicing suggest that this variant may disrupt the consensus splice site and strengthen a cryptic acceptor site in exon 19, located 18 nucleotides downstream of the natural splice site. This may result in an in-frame deletion of 6 amino acids, but otherwise preserve the integrity of the reading frame. This prediction has not been confirmed by published transcriptional studies, but suggests that the clinical significance of this splice variant may be uncertain. In summary, the available evidence is currently insufficient to determine the role of this variant in disease. Therefore, it has been classified as a Variant of Uncertain Significance.

Literature cited by the submitters: PubMed 16199547; PubMed 17096365; PubMed 21520333.

NM_000321.3(RB1):c.1815-1G>C

Gene: RB1 (RB transcriptional corepressor 1; plus strand). Cytogenetic location: 13q14.2.
Variant type: single nucleotide variant.
Coding change: c.1815-1G>C on transcript NM_000321.3 (MANE Select); the canonical splice acceptor site of the intron before coding-DNA position 1815, G replaced by C.
Molecular consequence: splice acceptor variant.
Genome position (GRCh38, 1-based): chr13:48,456,203, G>C. VCF-style: chr13-48456203-G-C. GRCh37 (hg19) VCF-style: chr13-49030339-G-C.
Other names: c.1815-1G>C (NM_001407165.1).
Identifiers: ClinVar variation 659638 (VCV000659638.3), dbSNP rs1593531874, ClinGen allele CA388165684.